The following is an entry in ClinVar:

NM_001287.6(CLCN7):c.2134C>G (p.Arg712Gly)

Gene: CLCN7 (Cl-/H+ antiporter 7; minus strand). Cytogenetic location: 16p13.3.
Variant type: single nucleotide variant.
Coding change: c.2134C>G on transcript NM_001287.6 (MANE Select); coding-DNA position 2134, C replaced by G.
Protein change: p.Arg712Gly; replaces arginine 712 with glycine.
Molecular consequence: missense variant.
Genome position (GRCh38, 1-based): chr16:1,447,508, G>C on the plus strand (C>G on the coding strand, the complement: CLCN7 is on the minus strand). VCF-style: chr16-1447508-G-C. GRCh37 (hg19) VCF-style: chr16-1497509-G-C.
Other names: c.2062C>G, p.Arg688Gly (NM_001114331.3); c.2134C>G (NM_001287.4, NM_001287.5); short protein forms R688G, R712G.
Identifiers: ClinVar variation 1353341 (VCV001353341.11), dbSNP rs368724913, ClinGen allele CA7809909.
Genomic context (GRCh38, chr16:1,447,508, plus strand): 5'-CCCGCTCGTCCTGGGACACGTGGATGGACTGGATGGGTGGGAAGCGCGGGTAGGCGTCTC[G>C]GAAGTCCTTCAGCCTCAGGCGCCGCTGTACCAGGCCCAGGTTGGACCGCTCCACAAACAC-3'
Protein context (NP_001278.1, residues 702-722): VQRRLRLKDF[Arg712Gly]DAYPRFPPIQ

ClinVar aggregate classification (germline): Uncertain significance. Review status: criteria provided, multiple submitters, no conflicts (2 of 4 stars). 4 submissions from 4 submitters: Uncertain significance (4). Last evaluated 2026-08-31.

Conditions:
CLCN7-related disorder. Also called: CLCN7-related condition.
Inborn genetic diseases. Identifiers: MedGen C0950123, MeSH D030342.

Allele frequency attached by ClinVar (database versions not stated): gnomAD exomes 0.00006; gnomAD 0.00007 and 0.00008; ExAC 0.00015; ESP Exome Variant Server 0.00016.

Submissions (4):

PreventionGenetics, part of Exact Sciences
Classification: Uncertain significance for CLCN7-related condition. Last evaluated: 2026-08-31. Review status: criteria provided, single submitter. Criteria: ACMG Guidelines, 2015. Collection method: clinical testing. Allele origin: germline.
Comment: The CLCN7 c.2134C>G variant is predicted to result in the amino acid substitution p.Arg712Gly. To our knowledge, this variant has not been reported in the literature. This variant is reported in 0.011% of alleles in individuals of European (Finnish) descent in gnomAD. At this time, the clinical significance of this variant is uncertain due to the absence of conclusive functional and genetic evidence.

Labcorp Genetics (formerly Invitae), Labcorp
Classification: Uncertain significance. Last evaluated: 2025-12-09. Review status: criteria provided, single submitter. Criteria: Invitae Variant Classification Sherloc (09022015). Collection method: clinical testing. Allele origin: germline.
Comment: This sequence change replaces arginine, which is basic and polar, with glycine, which is neutral and non-polar, at codon 712 of the CLCN7 protein (p.Arg712Gly). This variant is present in population databases (rs368724913, gnomAD 0.01%). This variant has not been reported in the literature in individuals affected with CLCN7-related conditions. ClinVar contains an entry for this variant (Variation ID: 1353341). An algorithm developed to predict the effect of missense changes on protein structure and function (PolyPhen-2) suggests that this variant is likely to be disruptive. In summary, the available evidence is currently insufficient to determine the role of this variant in disease. Therefore, it has been classified as a Variant of Uncertain Significance.

Ambry Genetics
Classification: Uncertain significance for Inborn genetic diseases. Last evaluated: 2025-05-23. Review status: criteria provided, single submitter. Criteria: Ambry Variant Classification Scheme 2023. Collection method: clinical testing. Allele origin: germline.

Revvity Omics, Revvity
Classification: Uncertain significance. Last evaluated: 2023-02-04. Review status: criteria provided, single submitter. Criteria: ACMG Guidelines, 2015. Collection method: clinical testing. Allele origin: germline.